The following is an entry in ClinVar:

ClinVar aggregate classification (germline): Uncertain significance (1 of 4 stars; one submission).

Conditions:
MHC class II deficiency. Also called: Bare lymphocyte syndrome 2; BLS, TYPE II. Identifiers: Orphanet 572, MedGen C5447452, MONDO:0008855.

Allele frequency attached by ClinVar (database versions not stated): gnomAD exomes below 0.00001.

Submission:

Labcorp Genetics (formerly Invitae), Labcorp
Classification: Uncertain significance for MHC class II deficiency. Last evaluated: 2021-09-01. Review status: criteria provided, single submitter. Criteria: Invitae Variant Classification Sherloc (09022015). Collection method: clinical testing. Allele origin: germline.
Comment: This sequence change replaces alanine with aspartic acid at codon 436 of the CIITA protein (p.Ala436Asp). The alanine residue is weakly conserved and there is a moderate physicochemical difference between alanine and aspartic acid. This variant is not present in population databases (ExAC no frequency). This variant has not been reported in the literature in individuals affected with CIITA-related conditions. Algorithms developed to predict the effect of missense changes on protein structure and function (SIFT, PolyPhen-2, Align-GVGD) all suggest that this variant is likely to be tolerated. In summary, the available evidence is currently insufficient to determine the role of this variant in disease. Therefore, it has been classified as a Variant of Uncertain Significance.

NM_000246.4(CIITA):c.1307C>A (p.Ala436Asp)

Gene: CIITA (class II major histocompatibility complex transactivator; plus strand). Cytogenetic location: 16p13.13.
Variant type: single nucleotide variant.
Coding change: c.1307C>A on transcript NM_000246.4 (MANE Select); coding-DNA position 1307, C replaced by A.
Protein change: p.Ala436Asp; replaces alanine 436 with aspartic acid.
Molecular consequence: missense variant. On other transcripts: intron variant (1).
Genome position (GRCh38, 1-based): chr16:10,906,799, C>A. VCF-style: chr16-10906799-C-A. GRCh37 (hg19) VCF-style: chr16-11000656-C-A.
Other names: c.1310C>A, p.Ala437Asp (NM_001286402.1, NM_001379332.1); c.1163C>A, p.Ala388Asp (NM_001379330.1); c.1160C>A, p.Ala387Asp (NM_001379331.1); c.1307C>A, p.Ala436Asp (NM_001379333.1); c.1238C>A, p.Ala413Asp (NM_001379334.1); c.859+1987C>A (NM_001286403.2); short protein forms A388D, A437D, A387D, A413D, A436D.
Identifiers: ClinVar variation 1519687 (VCV001519687.5), dbSNP rs1482043368, ClinGen allele CA394730204.